The following is an entry in ClinVar:

ClinVar aggregate classification (germline): Uncertain significance (1 of 4 stars; one submission).

Conditions:
Cardiovascular phenotype. Identifiers: MedGen CN230736.

Submission:

Ambry Genetics
Classification: Uncertain significance for Cardiovascular phenotype. Last evaluated: 2021-08-16. Review status: criteria provided, single submitter. Criteria: Ambry Variant Classification Scheme 2023. Collection method: clinical testing. Allele origin: germline.
Comment: The p.E468K variant (also known as c.1402G>A), located in coding exon 10 of the SCN10A gene, results from a G to A substitution at nucleotide position 1402. The glutamic acid at codon 468 is replaced by lysine, an amino acid with similar properties. This amino acid position is conserved. In addition, the in silico prediction for this alteration is inconclusive. Since supporting evidence is limited at this time, the clinical significance of this alteration remains unclear.

NM_006514.4(SCN10A):c.1402G>A (p.Glu468Lys)

Gene: SCN10A (sodium voltage-gated channel alpha subunit 10; minus strand). Cytogenetic location: 3p22.2.
Variant type: single nucleotide variant.
Coding change: c.1402G>A on transcript NM_006514.4 (MANE Select); coding-DNA position 1402, G replaced by A.
Protein change: p.Glu468Lys; replaces glutamic acid 468 with lysine.
Molecular consequence: missense variant.
Genome position (GRCh38, 1-based): chr3:38,755,847, C>T on the plus strand (G>A on the coding strand, the complement: SCN10A is on the minus strand). VCF-style: chr3-38755847-C-T. GRCh37 (hg19) VCF-style: chr3-38797338-C-T.
Other names: c.1402G>A, p.Glu468Lys (NM_001293306.2, NM_001293307.2); short protein forms E468K.
Identifiers: ClinVar variation 1771841 (VCV001771841.2), dbSNP rs2470786824, ClinGen allele CA352168884.